The following is an entry in ClinVar:

NM_015338.6(ASXL1):c.2432A>G (p.Asn811Ser)

Gene: ASXL1 (ASXL transcriptional regulator 1; plus strand). Cytogenetic location: 20q11.21.
Variant type: single nucleotide variant.
Coding change: c.2432A>G on transcript NM_015338.6 (MANE Select); coding-DNA position 2432, A replaced by G.
Protein change: p.Asn811Ser; replaces asparagine 811 with serine.
Molecular consequence: missense variant.
Genome position (GRCh38, 1-based): chr20:32,435,144, A>G. VCF-style: chr20-32435144-A-G. GRCh37 (hg19) VCF-style: chr20-31022947-A-G.
Other names: c.2249A>G, p.Asn750Ser (NM_001363734.1); short protein forms N811S, N750S.
Identifiers: ClinVar variation 2716023 (VCV002716023.5), dbSNP rs758473430, ClinGen allele CA9808620.

ClinVar aggregate classification (germline): Conflicting classifications of pathogenicity. Review status: criteria provided, conflicting classifications (1 of 4 stars). 3 submissions from 3 submitters: Uncertain significance (2); Likely benign (1). Last evaluated 2025-11-12.

Conditions:
Inborn genetic diseases. Identifiers: MedGen C0950123, MeSH D030342.

Allele frequency attached by ClinVar (database versions not stated): TOPMed below 0.00001; gnomAD exomes 0.00002 and 0.00004; gnomAD 0.00003 and 0.00006; ExAC 0.00004.
gnomAD v4.1: 44 of 1,613,836 alleles (0.0027%); highest among the groups gnomAD compares: South Asian, 0.031%; no homozygotes.

Submissions (3):

Women's Health and Genetics/Laboratory Corporation of America, LabCorp
Classification: Uncertain significance. Last evaluated: 2025-11-12. Review status: criteria provided, single submitter. Criteria: LabCorp Variant Classification Summary - May 2015. Collection method: clinical testing. Allele origin: germline.
Comment: Variant summary: ASXL1 c.2432A>G (p.Asn811Ser) results in a conservative amino acid change in the encoded protein sequence. Algorithms developed to predict the effect of missense changes on protein structure and function all suggest that this variant is likely to be tolerated. The variant allele was found at a frequency of 3.6e-05 in 249464 control chromosomes. The available data on variant occurrences in the general population are insufficient to allow any conclusion about variant significance. To our knowledge, no occurrence of c.2432A>G in individuals affected with ASXL1-related conditions and no experimental evidence demonstrating its impact on protein function have been reported. ClinVar contains an entry for this variant (Variation ID: 2716023). Based on the evidence outlined above, the variant was classified as uncertain significance.

Ambry Genetics
Classification: Likely benign for Inborn genetic diseases. Last evaluated: 2024-11-30. Review status: criteria provided, single submitter. Criteria: Ambry Variant Classification Scheme 2023. Collection method: clinical testing. Allele origin: germline.

Labcorp Genetics (formerly Invitae), Labcorp
Classification: Uncertain significance. Last evaluated: 2024-02-07. Review status: criteria provided, single submitter. Criteria: Invitae Variant Classification Sherloc (09022015). Collection method: clinical testing. Allele origin: germline.
Comment: This sequence change replaces asparagine, which is neutral and polar, with serine, which is neutral and polar, at codon 811 of the ASXL1 protein (p.Asn811Ser). This variant is present in population databases (rs758473430, gnomAD 0.02%). This variant has not been reported in the literature in individuals affected with ASXL1-related conditions. Algorithms developed to predict the effect of missense changes on protein structure and function output the following: SIFT: "Not Available"; PolyPhen-2: "Benign"; Align-GVGD: "Not Available". The serine amino acid residue is found in multiple mammalian species, which suggests that this missense change does not adversely affect protein function. In summary, the available evidence is currently insufficient to determine the role of this variant in disease. Therefore, it has been classified as a Variant of Uncertain Significance.

Literature cited by the submitters: PubMed 22489043 (cited by Women's Health and Genetics/Laboratory Corporation of America, LabCorp); PubMed 24442206 (cited by Women's Health and Genetics/Laboratory Corporation of America, LabCorp); PubMed 24458439 (cited by Women's Health and Genetics/Laboratory Corporation of America, LabCorp); PubMed 25652455 (cited by Women's Health and Genetics/Laboratory Corporation of America, LabCorp); PubMed 24695057 (cited by Women's Health and Genetics/Laboratory Corporation of America, LabCorp); PubMed 23018865 (cited by Women's Health and Genetics/Laboratory Corporation of America, LabCorp); PubMed 21881046 (cited by Women's Health and Genetics/Laboratory Corporation of America, LabCorp); PubMed 23619563 (cited by Women's Health and Genetics/Laboratory Corporation of America, LabCorp); PubMed 20880116 (cited by Women's Health and Genetics/Laboratory Corporation of America, LabCorp); PubMed 23690417 (cited by Women's Health and Genetics/Laboratory Corporation of America, LabCorp); PubMed 22031865 (cited by Women's Health and Genetics/Laboratory Corporation of America, LabCorp); PubMed 25596267 (cited by Women's Health and Genetics/Laboratory Corporation of America, LabCorp); PubMed 22058207 (cited by Women's Health and Genetics/Laboratory Corporation of America, LabCorp); PubMed 24496303 (cited by Women's Health and Genetics/Laboratory Corporation of America, LabCorp); PubMed 21576631 (cited by Women's Health and Genetics/Laboratory Corporation of America, LabCorp); PubMed 24255920 (cited by Women's Health and Genetics/Laboratory Corporation of America, LabCorp); PubMed 27895058 (cited by Women's Health and Genetics/Laboratory Corporation of America, LabCorp); PubMed 27276561 (cited by Women's Health and Genetics/Laboratory Corporation of America, LabCorp); PubMed 27069254 (cited by Women's Health and Genetics/Laboratory Corporation of America, LabCorp).